The following is an entry in ClinVar:

NM_003073.5(SMARCB1):c.1007_1010del (p.Val336fs)

Gene: SMARCB1 (SWI/SNF related BAF chromatin remodeling complex subunit B1; plus strand). Cytogenetic location: 22q11.23.
Variant type: Deletion.
Coding change: c.1007_1010del on transcript NM_003073.5 (MANE Select); coding-DNA positions 1007 to 1010, 4 bases deleted (TGGA; older notation c.1007_1010delTGGA).
Protein change: p.Val336fs; shifts the reading frame from valine 336.
Molecular consequence: frameshift variant.
Genome position (GRCh38, 1-based): chr22:23,833,592-23,833,595, TGGA deleted. VCF-style (leftmost placement, unchanged base first): chr22-23833591-GTGGA-G. GRCh37 (hg19) VCF-style: chr22-24175778-GTGGA-G.
Other names: c.980_983del, p.Val327fs (NM_001007468.3); c.1034_1037del, p.Val345fs (NM_001317946.2); c.1061_1064del, p.Val354fs (NM_001362877.2); short protein forms V336fs, V345fs, V354fs, V327fs.
Identifiers: ClinVar variation 3655856 (VCV003655856.2).
Genomic context (GRCh38, chr22:23,833,591, plus strand): 5'-GCTGGAAAAGTCATTCCTCTCACTGCCTCCCCTCCTCGTAGCGAGAACCCTCTGCCCACA[GTGGA>G]GATTGCCATCCGGAACACGGGCGATGCGGACCAGTGGTGCCCACTGCTGGAGACTCTGAC-3'

ClinVar aggregate classification (germline): Pathogenic (1 of 4 stars; one submission).

Submission:

Labcorp Genetics (formerly Invitae), Labcorp
Classification: Pathogenic. Last evaluated: 2024-06-08. Review status: criteria provided, single submitter. Criteria: Invitae Variant Classification Sherloc (09022015). Collection method: clinical testing. Allele origin: germline.
Comment: This sequence change creates a premature translational stop signal (p.Val336Glyfs*20) in the SMARCB1 gene. It is expected to result in an absent or disrupted protein product. Loss-of-function variants in SMARCB1 are known to be pathogenic (PMID: 10521299, 21208904). This variant is not present in population databases (gnomAD no frequency). This variant has not been reported in the literature in individuals affected with SMARCB1-related conditions. Algorithms developed to predict the effect of sequence changes on RNA splicing suggest that this variant may disrupt the consensus splice site. For these reasons, this variant has been classified as Pathogenic.

Literature cited by the submitters: PubMed 10521299; PubMed 21208904.